The following is an entry in ClinVar:

ClinVar aggregate classification (germline): Uncertain significance (1 of 4 stars; one submission).

Allele frequency attached by ClinVar (database versions not stated): gnomAD exomes below 0.00001.

Submission:

Labcorp Genetics (formerly Invitae), Labcorp
Classification: Uncertain significance. Last evaluated: 2022-02-10. Review status: criteria provided, single submitter. Criteria: Invitae Variant Classification Sherloc (09022015). Collection method: clinical testing. Allele origin: germline.
Comment: This sequence change replaces proline, which is neutral and non-polar, with serine, which is neutral and polar, at codon 514 of the SAMD9L protein (p.Pro514Ser). This variant is not present in population databases (gnomAD no frequency). This variant has not been reported in the literature in individuals affected with SAMD9L-related conditions. Algorithms developed to predict the effect of missense changes on protein structure and function output the following: SIFT: "Not Available"; PolyPhen-2: "Benign"; Align-GVGD: "Not Available". The serine amino acid residue is found in multiple mammalian species, which suggests that this missense change does not adversely affect protein function. In summary, the available evidence is currently insufficient to determine the role of this variant in disease. Therefore, it has been classified as a Variant of Uncertain Significance.

NM_152703.5(SAMD9L):c.1540C>T (p.Pro514Ser)

Gene: SAMD9L (sterile alpha motif domain containing 9 like; minus strand). Cytogenetic location: 7q21.2.
Variant type: single nucleotide variant.
Coding change: c.1540C>T on transcript NM_152703.5 (MANE Select); coding-DNA position 1540, C replaced by T.
Protein change: p.Pro514Ser; replaces proline 514 with serine.
Molecular consequence: missense variant.
Genome position (GRCh38, 1-based): chr7:93,134,432, G>A on the plus strand (C>T on the coding strand, the complement: SAMD9L is on the minus strand). VCF-style: chr7-93134432-G-A. GRCh37 (hg19) VCF-style: chr7-92763745-G-A.
Other names: c.1540C>T, p.Pro514Ser (NM_001303496.3, NM_001303497.3, NM_001303498.3 and 5 more transcripts); short protein forms P514S.
Identifiers: ClinVar variation 2096059 (VCV002096059.4), dbSNP rs2535427220, ClinGen allele CA368195907.